The following is an entry in ClinVar:

NM_000057.4(BLM):c.3358+4A>G

Gene: BLM (BLM RecQ like helicase; plus strand). Cytogenetic location: 15q26.1.
Variant type: single nucleotide variant.
Coding change: c.3358+4A>G on transcript NM_000057.4 (MANE Select); 4 bases into the intron after coding-DNA position 3358, A replaced by G.
Molecular consequence: intron variant.
Genome position (GRCh38, 1-based): chr15:90,798,341, A>G. VCF-style: chr15-90798341-A-G. GRCh37 (hg19) VCF-style: chr15-91341571-A-G.
Other names: c.3358+4A>G (NM_001287246.2, NM_001287247.2); c.2233+4A>G (NM_001287248.2).
Identifiers: ClinVar variation 1001701 (VCV001001701.7), dbSNP rs1897083090, ClinGen allele CA2195299149.

ClinVar aggregate classification (germline): Uncertain significance (1 of 4 stars; one submission).

Conditions:
Bloom syndrome (BLM). Also called: Bloom-Torre-Machacek syndrome. Identifiers: Orphanet 125, MedGen C0005859, MONDO:0008876, OMIM 210900.

Submission:

Labcorp Genetics (formerly Invitae), Labcorp
Classification: Uncertain significance for Bloom syndrome. Last evaluated: 2025-11-10. Review status: criteria provided, single submitter. Criteria: Invitae Variant Classification Sherloc (09022015). Collection method: clinical testing. Allele origin: germline.
Comment: This sequence change falls in intron 17 of the BLM gene. It does not directly change the encoded amino acid sequence of the BLM protein. It affects a nucleotide within the consensus splice site. This variant is not present in population databases (gnomAD no frequency). This variant has not been reported in the literature in individuals affected with BLM-related conditions. ClinVar contains an entry for this variant (Variation ID: 1001701). Variants that disrupt the consensus splice site are a relatively common cause of aberrant splicing (PMID: 17576681, 9536098). Algorithms developed to predict the effect of sequence changes on RNA splicing suggest that this variant is not likely to affect RNA splicing. In summary, the available evidence is currently insufficient to determine the role of this variant in disease. Therefore, it has been classified as a Variant of Uncertain Significance.

Literature cited by the submitters: PubMed 17576681; PubMed 9536098.